The following is an entry in ClinVar:

NM_015166.4(MLC1):c.1117G>A (p.Val373Met)

Gene: MLC1 (modulator of VRAC current 1; minus strand). Cytogenetic location: 22q13.33.
Variant type: single nucleotide variant.
Coding change: c.1117G>A on transcript NM_015166.4 (MANE Select); coding-DNA position 1117, G replaced by A.
Protein change: p.Val373Met; replaces valine 373 with methionine.
Molecular consequence: missense variant. On other transcripts: non-coding transcript variant (3).
Genome position (GRCh38, 1-based): chr22:50,061,600, C>T on the plus strand (G>A on the coding strand, the complement: MLC1 is on the minus strand). VCF-style: chr22-50061600-C-T. GRCh37 (hg19) VCF-style: chr22-50500029-C-T.
Other names: c.1117G>A, p.Val373Met (NM_001376472.1, NM_001376473.1, NM_001376474.1 and 5 more transcripts); c.1060G>A, p.Val354Met (NM_001376479.1); c.1027G>A, p.Val343Met (NM_001376480.1); c.1015G>A, p.Val339Met (NM_001376481.1); c.961G>A, p.Val321Met (NM_001376482.1, NM_001376483.1); c.880G>A, p.Val294Met (NM_001376484.1); short protein forms V343M, V354M, V321M, V373M, V294M, V339M.
Identifiers: ClinVar variation 2109499 (VCV002109499.4), dbSNP rs1205871716, ClinGen allele CA412104662.

ClinVar aggregate classification (germline): Uncertain significance (1 of 4 stars; one submission).

Allele frequency attached by ClinVar (database versions not stated): gnomAD 0.00001; TOPMed 0.00002.
gnomAD v4.1: 4 of 1,613,730 alleles (0.00025%); highest among the groups gnomAD compares: African/African-American, 0.0027%; no homozygotes.

Submission:

Labcorp Genetics (formerly Invitae), Labcorp
Classification: Uncertain significance. Last evaluated: 2023-12-22. Review status: criteria provided, single submitter. Criteria: Invitae Variant Classification Sherloc (09022015). Collection method: clinical testing. Allele origin: germline.
Comment: This sequence change replaces valine, which is neutral and non-polar, with methionine, which is neutral and non-polar, at codon 373 of the MLC1 protein (p.Val373Met). This variant is present in population databases (no rsID available, gnomAD 0.008%). This variant has not been reported in the literature in individuals affected with MLC1-related conditions. ClinVar contains an entry for this variant (Variation ID: 2109499). Advanced modeling of protein sequence and biophysical properties (such as structural, functional, and spatial information, amino acid conservation, physicochemical variation, residue mobility, and thermodynamic stability) has been performed at Invitae for this missense variant, however the output from this modeling did not meet the statistical confidence thresholds required to predict the impact of this variant on MLC1 protein function. In summary, the available evidence is currently insufficient to determine the role of this variant in disease. Therefore, it has been classified as a Variant of Uncertain Significance.